The following is an entry in ClinVar:

NM_177438.3(DICER1):c.2968G>A (p.Val990Met)

Gene: DICER1 (dicer 1, ribonuclease III; minus strand). Cytogenetic location: 14q32.13.
Variant type: single nucleotide variant.
Coding change: c.2968G>A on transcript NM_177438.3 (MANE Select); coding-DNA position 2968, G replaced by A.
Protein change: p.Val990Met; replaces valine 990 with methionine.
Molecular consequence: missense variant.
Genome position (GRCh38, 1-based): chr14:95,106,060, C>T on the plus strand (G>A on the coding strand, the complement: DICER1 is on the minus strand). VCF-style: chr14-95106060-C-T. GRCh37 (hg19) VCF-style: chr14-95572397-C-T.
Other names: c.2968G>A, p.Val990Met (NM_001195573.1, NM_001271282.3, NM_001291628.2 and 1 more transcripts); c.2968G>A (NM_177438.2); short protein forms V990M.
Identifiers: ClinVar variation 998697 (VCV000998697.11), dbSNP rs1443445976, ClinGen allele CA390878837.

ClinVar aggregate classification (germline): Uncertain significance. Review status: criteria provided, multiple submitters, no conflicts (2 of 4 stars). 2 submissions from 2 submitters: Uncertain significance (2). Last evaluated 2025-08-09.

Conditions:
DICER1-related tumor predisposition. Also called: DICER1 syndrome; DICER1-related pleuropulmonary blastoma cancer predisposition syndrome. Identifiers: Orphanet 284343, MedGen C3839822, MONDO:0100216.
Hereditary cancer-predisposing syndrome. Also called: Neoplastic Syndromes, Hereditary; Hereditary neoplastic syndrome; Hereditary Cancer Syndrome; Tumor predisposition. Identifiers: Orphanet 140162, MedGen C0027672, MeSH D009386, MONDO:0015356.

Allele frequency attached by ClinVar (database versions not stated): gnomAD exomes below 0.00001; gnomAD 0.00001.
gnomAD v4.1: 3 of 1,614,074 alleles (0.00019%); highest among the groups gnomAD compares: Admixed American, 0.0017%; no homozygotes.

Submissions (2):

Labcorp Genetics (formerly Invitae), Labcorp
Classification: Uncertain significance for DICER1-related tumor predisposition. Last evaluated: 2025-08-09. Review status: criteria provided, single submitter. Criteria: Invitae Variant Classification Sherloc (09022015). Collection method: clinical testing. Allele origin: germline.
Comment: This sequence change replaces valine, which is neutral and non-polar, with methionine, which is neutral and non-polar, at codon 990 of the DICER1 protein (p.Val990Met). This variant is present in population databases (no rsID available, gnomAD 0.1%). This variant has not been reported in the literature in individuals affected with DICER1-related conditions. ClinVar contains an entry for this variant (Variation ID: 998697). Invitae Evidence Modeling of protein sequence and biophysical properties (such as structural, functional, and spatial information, amino acid conservation, physicochemical variation, residue mobility, and thermodynamic stability) indicates that this missense variant is expected to disrupt DICER1 protein function with a positive predictive value of 95%. In summary, the available evidence is currently insufficient to determine the role of this variant in disease. Therefore, it has been classified as a Variant of Uncertain Significance.

Ambry Genetics
Classification: Uncertain significance for Hereditary cancer-predisposing syndrome. Last evaluated: 2023-04-27. Review status: criteria provided, single submitter. Criteria: Ambry Variant Classification Scheme 2023. Collection method: clinical testing. Allele origin: germline.
Comment: The p.V990M variant (also known as c.2968G>A), located in coding exon 17 of the DICER1 gene, results from a G to A substitution at nucleotide position 2968. The valine at codon 990 is replaced by methionine, an amino acid with highly similar properties. This amino acid position is conserved. In addition, the in silico prediction for this alteration is inconclusive. Since supporting evidence is limited at this time, the clinical significance of this alteration remains unclear.